The following is an entry in ClinVar:

NM_015443.4(KANSL1):c.2824C>T (p.Arg942Trp)

Gene: KANSL1 (KAT8 regulatory NSL complex subunit 1). Cytogenetic location: 17q21.31.
Variant type: single nucleotide variant.
Coding change: c.2824C>T on transcript NM_015443.4 (MANE Select); coding-DNA position 2824, C replaced by T.
Protein change: p.Arg942Trp; replaces arginine 942 with tryptophan.
Molecular consequence: missense variant.
Genome position (GRCh38, 1-based): chr17:46,033,093, G>A on the plus strand (C>T on the coding strand, the complement: KANSL1 is on the minus strand). VCF-style: chr17-46033093-G-A. GRCh37 (hg19) VCF-style: chr17-44110459-G-A.
Other names: c.2824C>T, p.Arg942Trp (NM_001405872.1, NM_001405873.1, NM_001405874.1 and 4 more transcripts); c.2635C>T, p.Arg879Trp (NM_001405875.1, NM_001405876.1, NM_001405877.1 and 1 more transcripts); c.2632C>T, p.Arg878Trp (NM_001405879.1, NM_001405880.1); c.2719C>T, p.Arg907Trp (NM_001405881.1, NM_001405861.1); c.2821C>T, p.Arg941Trp (NM_001193465.2, NM_001405856.1, NM_001405857.1 and 1 more transcripts); c.2722C>T, p.Arg908Trp (NM_001405859.1, NM_001405860.1); c.1558C>T, p.Arg520Trp (NM_001405882.1); c.1555C>T, p.Arg519Trp (NM_001405883.1); and 2 more; short protein forms R878W, R908W, R941W, R457W, R879W, R456W, R520W, R942W.
Identifiers: ClinVar variation 3630360 (VCV003630360.2).

ClinVar aggregate classification (germline): Uncertain significance (1 of 4 stars; one submission).

Conditions:
Koolen-de Vries syndrome (KDVS). Identifiers: Orphanet 96169, MedGen C1864871, MONDO:0012496, OMIM 610443.

Submission:

Labcorp Genetics (formerly Invitae), Labcorp
Classification: Uncertain significance for Koolen-de Vries syndrome. Last evaluated: 2025-02-09. Review status: criteria provided, single submitter. Criteria: Invitae Variant Classification Sherloc (09022015). Collection method: clinical testing. Allele origin: germline.
Comment: This sequence change replaces arginine, which is basic and polar, with tryptophan, which is neutral and slightly polar, at codon 942 of the KANSL1 protein (p.Arg942Trp). This variant is not present in population databases (gnomAD no frequency). This variant has not been reported in the literature in individuals affected with KANSL1-related conditions. Invitae Evidence Modeling of protein sequence and biophysical properties (such as structural, functional, and spatial information, amino acid conservation, physicochemical variation, residue mobility, and thermodynamic stability) has been performed for this missense variant. However, the output from this modeling did not meet the statistical confidence thresholds required to predict the impact of this variant on KANSL1 protein function. In summary, the available evidence is currently insufficient to determine the role of this variant in disease. Therefore, it has been classified as a Variant of Uncertain Significance.